The following is an entry in ClinVar:

ClinVar aggregate classification (germline): Uncertain significance. Review status: criteria provided, multiple submitters, no conflicts (2 of 4 stars). 7 submissions from 7 submitters: Uncertain significance (7). Last evaluated 2026-01-12.

Conditions:
Dilated cardiomyopathy 1G (CMD1G). Identifiers: Orphanet 154, MedGen C1858763, MONDO:0011400, OMIM 604145.
Autosomal recessive limb-girdle muscular dystrophy type 2J (LGMDR10). Also called: Limb-girdle muscular dystrophy, type 2J; MUSCULAR DYSTROPHY, LIMB-GIRDLE, AUTOSOMAL RECESSIVE 10. Identifiers: Orphanet 140922, MedGen C1837342, MONDO:0012127, OMIM 608807.
Myopathy, myofibrillar, 9, with early respiratory failure (MFM9). Also called: EDSTROM MYOPATHY; MYOPATHY, PROXIMAL, WITH EARLY RESPIRATORY MUSCLE INVOLVEMENT; Myopathy, distal, with early respiratory failure, autosomal dominant; Hereditary myopathy with early respiratory failure. Identifiers: Orphanet 178464, Orphanet 34521, MedGen C1863599, MONDO:0011362, OMIM 603689.
Tibial muscular dystrophy (TMD). Also called: UDD MYOPATHY; Tibial muscular dystrophy, tardive; Udd Distal Myopathy – Tibial Muscular Dystrophy. Identifiers: Orphanet 609, MedGen C1838244, MONDO:0010870, OMIM 600334.
Early-onset myopathy with fatal cardiomyopathy (CMYO5). Also called: Salih Myopathy; CONGENITAL MYOPATHY 5 WITH CARDIOMYOPATHY. Identifiers: Orphanet 289377, MedGen C2673677, MONDO:0012714, OMIM 611705. Disease mechanism: loss of function.
Hypertrophic cardiomyopathy 9. Also called: Familial hypertrophic cardiomyopathy 9. Identifiers: MedGen C1861065, MONDO:0013412, OMIM 613765.
TTN-related disorder. Also called: TTN-related disorders; TTN-related condition; TTN-related disease.

Allele frequency attached by ClinVar (database versions not stated): gnomAD exomes below 0.00001 and 0.00001; TOPMed 0.00001; ExAC 0.00002; gnomAD 0.00002; ESP Exome Variant Server 0.00008.
gnomAD v4.1: 26 of 1,613,136 alleles (0.0016%); highest among the groups gnomAD compares: Non-Finnish European, 0.002%; no homozygotes.

Submissions (7):

PreventionGenetics, part of Exact Sciences
Classification: Uncertain significance for TTN-related condition. Last evaluated: 2026-01-12. Review status: criteria provided, single submitter. Criteria: ACMG Guidelines, 2015. Collection method: clinical testing. Allele origin: germline.
Comment: The TTN c.4072G>T variant is predicted to result in the amino acid substitution p.Asp1358Tyr. To our knowledge, this variant has not been reported in the literature. This variant is reported in 0.00088% of alleles in individuals of European (Non-Finnish) descent in gnomAD. At this time, the clinical significance of this variant is uncertain due to the absence of conclusive functional and genetic evidence.

GeneDx
Classification: Uncertain significance. Last evaluated: 2025-07-28. Review status: criteria provided, single submitter. Criteria: GeneDx Variant Classification Process June 2021. Collection method: clinical testing. Allele origin: germline. Affected: yes.
Comment: Not observed at significant frequency in large population cohorts (gnomAD); Missense variant in a gene in which most reported pathogenic variants are truncating/loss of function; Has not been previously published as pathogenic or benign to our knowledge

CeGaT Center for Human Genetics Tuebingen
Classification: Uncertain significance. Last evaluated: 2024-02-01. Review status: criteria provided, single submitter. Criteria: CeGaT Center For Human Genetics Tuebingen Variant Classification Criteria Version 2. Collection method: clinical testing. Allele origin: germline. Affected: yes. Observed: 2 variant alleles.
Comment: TTN: PM2, PP3

AiLife Diagnostics
Classification: Uncertain significance. Last evaluated: 2022-01-07. Review status: criteria provided, single submitter. Criteria: ACMG Guidelines, 2015. Collection method: clinical testing. Allele origin: germline. Affected: yes. Observed: 1 variant allele.

Mayo Clinic Laboratories, Mayo Clinic
Classification: Uncertain significance. Last evaluated: 2022-01-07. Review status: criteria provided, single submitter. Criteria: ACMG Guidelines, 2015. Collection method: clinical testing. Allele origin: germline.

Fulgent Genetics
Classification: Uncertain significance for Tibial muscular dystrophy; Myopathy, myofibrillar, 9, with early respiratory failure; Dilated cardiomyopathy 1G; Autosomal recessive limb-girdle muscular dystrophy type 2J; Early-onset myopathy with fatal cardiomyopathy; Hypertrophic cardiomyopathy 9. Last evaluated: 2021-10-06. Review status: criteria provided, single submitter. Criteria: ACMG Guidelines, 2015. Collection method: clinical testing. Allele origin: unknown.

Labcorp Genetics (formerly Invitae), Labcorp
Classification: Uncertain significance for Dilated cardiomyopathy 1G; Autosomal recessive limb-girdle muscular dystrophy type 2J. Last evaluated: 2017-12-01. Review status: criteria provided, single submitter. Criteria: Invitae Variant Classification Sherloc (09022015). Collection method: clinical testing. Allele origin: germline.

NM_001267550.2(TTN):c.4072G>T (p.Asp1358Tyr)

Genes: TTN (titin; minus strand), LOC101927055 (uncharacterized LOC101927055; plus strand). Cytogenetic location: 2q31.2.
Variant type: single nucleotide variant.
Coding change: c.4072G>T on transcript NM_001267550.2 (MANE Select); coding-DNA position 4072, G replaced by T.
Protein change: p.Asp1358Tyr; replaces aspartic acid 1358 with tyrosine.
Molecular consequence: missense variant.
Genome position (GRCh38, 1-based): chr2:178,779,010, C>A on the plus strand (G>T on the coding strand, the complement: TTN is on the minus strand). VCF-style: chr2-178779010-C-A. GRCh37 (hg19) VCF-style: chr2-179643737-C-A.
Other names: p.Asp1358Tyr; c.4072G>T (NM_001267550.1); c.4072G>T, p.Asp1358Tyr (NM_001256850.1, NM_133378.4, NM_133379.5); c.3934G>T, p.Asp1312Tyr (NM_003319.4, NM_133432.3, NM_133437.4); short protein forms D1358Y, D1312Y.
Identifiers: ClinVar variation 535565 (VCV000535565.35), dbSNP rs373988162, ClinGen allele CA2005413.